The following is an entry in ClinVar:

ClinVar aggregate classification (germline): Uncertain significance (1 of 4 stars; one submission).

Conditions:
Bardet-Biedl syndrome (BBS). Identifiers: Orphanet 110, MedGen C0752166, MONDO:0015229.

Submission:

Labcorp Genetics (formerly Invitae), Labcorp
Classification: Uncertain significance for Bardet-Biedl syndrome. Last evaluated: 2022-09-27. Review status: criteria provided, single submitter. Criteria: Invitae Variant Classification Sherloc (09022015). Collection method: clinical testing. Allele origin: germline.
Comment: In summary, the available evidence is currently insufficient to determine the role of this variant in disease. Therefore, it has been classified as a Variant of Uncertain Significance. Algorithms developed to predict the effect of sequence changes on RNA splicing suggest that this variant may create or strengthen a splice site. Algorithms developed to predict the effect of missense changes on protein structure and function (SIFT, PolyPhen-2, Align-GVGD) all suggest that this variant is likely to be tolerated. ClinVar contains an entry for this variant (Variation ID: 844290). This variant has not been reported in the literature in individuals affected with WDPCP-related conditions. This variant is not present in population databases (gnomAD no frequency). This sequence change replaces glutamic acid, which is acidic and polar, with valine, which is neutral and non-polar, at codon 731 of the WDPCP protein (p.Glu731Val).

NM_015910.7(WDPCP):c.2192A>T (p.Glu731Val)

Gene: WDPCP (WD repeat containing planar cell polarity effector; minus strand). Cytogenetic location: 2p15.
Variant type: single nucleotide variant.
Coding change: c.2192A>T on transcript NM_015910.7 (MANE Select); coding-DNA position 2192, A replaced by T.
Protein change: p.Glu731Val; replaces glutamic acid 731 with valine.
Molecular consequence: missense variant. On other transcripts: non-coding transcript variant (3).
Genome position (GRCh38, 1-based): chr2:63,122,055, T>A on the plus strand (A>T on the coding strand, the complement: WDPCP is on the minus strand). VCF-style: chr2-63122055-T-A. GRCh37 (hg19) VCF-style: chr2-63349190-T-A.
Other names: c.2120A>T, p.Glu707Val (NM_001354044.2); c.1715A>T, p.Glu572Val (NM_001042692.3); short protein forms E572V, E731V, E707V.
Identifiers: ClinVar variation 844290 (VCV000844290.11), dbSNP rs1669577990, ClinGen allele CA347056709.
Genomic context (GRCh38, chr2:63,122,055, plus strand): 5'-TTTCTTAATGTTTACACCAGACCAAAGTGAATCATTTTGAGAGAACCACCATCTCTGATT[T>A]CCTGCAAATAAACAAATAAAAATAATGTTTAAGCAGAGTAAAAAGTAATTGACTTAACAT-3'
Protein context (NP_056994.3, residues 721-741): GELREDGREQ[Glu731Val]IRDGGSLKMI